The following is an entry in ClinVar:

ClinVar aggregate classification (germline): Conflicting classifications of pathogenicity. Review status: criteria provided, conflicting classifications (1 of 4 stars). 3 submissions from 3 submitters: Uncertain significance (1); Likely benign (2). Last evaluated 2022-04-12.

Conditions:
Dilated cardiomyopathy 1KK (CMD1KK). Identifiers: Orphanet 154, Orphanet 75249, MedGen C3714995, MONDO:0014100, OMIM 615248.
Cardiovascular phenotype. Identifiers: MedGen CN230736.

Allele frequency attached by ClinVar (database versions not stated): TOPMed 0.00001; gnomAD exomes 0.00003; ExAC 0.00012.
gnomAD v4.1: 47 of 1,614,010 alleles (0.0029%); highest among the groups gnomAD compares: Non-Finnish European, 0.0036%; no homozygotes.

Submissions (3):

Labcorp Genetics (formerly Invitae), Labcorp
Classification: Uncertain significance for Dilated cardiomyopathy 1KK. Last evaluated: 2022-04-12. Review status: criteria provided, single submitter. Criteria: Invitae Variant Classification Sherloc (09022015). Collection method: clinical testing. Allele origin: germline.
Comment: This sequence change affects codon 939 of the MYPN mRNA. It is a 'silent' change, meaning that it does not change the encoded amino acid sequence of the MYPN protein. This variant is present in population databases (rs750001158, gnomAD 0.01%). This variant has not been reported in the literature in individuals affected with MYPN-related conditions. Algorithms developed to predict the effect of sequence changes on RNA splicing suggest that this variant may disrupt the consensus splice site. In summary, the available evidence is currently insufficient to determine the role of this variant in disease. Therefore, it has been classified as a Variant of Uncertain Significance.

Blueprint Genetics
Classification: Likely benign. Last evaluated: 2021-10-11. Review status: criteria provided, single submitter. Criteria: ACMG Guidelines, 2015. Collection method: clinical testing. Allele origin: germline.

Ambry Genetics
Classification: Likely benign for Cardiovascular phenotype. Last evaluated: 2019-11-11. Review status: criteria provided, single submitter. Criteria: Ambry Variant Classification Scheme 2023. Collection method: clinical testing. Allele origin: germline.

NM_032578.4(MYPN):c.2817G>A (p.Thr939=)

Gene: MYPN (myopalladin; plus strand). Cytogenetic location: 10q21.3.
Variant type: single nucleotide variant.
Coding change: c.2817G>A on transcript NM_032578.4 (MANE Select); coding-DNA position 2817, G replaced by A.
Protein change: p.Thr939=; no amino-acid change (threonine 939 retained).
Molecular consequence: synonymous variant. On other transcripts: non-coding transcript variant (2).
Genome position (GRCh38, 1-based): chr10:68,189,018, G>A. VCF-style: chr10-68189018-G-A. GRCh37 (hg19) VCF-style: chr10-69948775-G-A.
Other names: c.2817G>A, p.Thr939= (NM_001256267.2); c.1935G>A, p.Thr645= (NM_001256268.2).
Identifiers: ClinVar variation 1796386 (VCV001796386.8), dbSNP rs750001158, ClinGen allele CA5522877.